The following is an entry in ClinVar:

NM_014254.3(RXYLT1):c.199A>G (p.Asn67Asp)

Gene: RXYLT1 (ribitol xylosyltransferase 1; plus strand). Cytogenetic location: 12q14.2.
Variant type: single nucleotide variant.
Coding change: c.199A>G on transcript NM_014254.3 (MANE Select); coding-DNA position 199, A replaced by G.
Protein change: p.Asn67Asp; replaces asparagine 67 with aspartic acid.
Molecular consequence: missense variant. On other transcripts: 5 prime UTR variant (1).
Genome position (GRCh38, 1-based): chr12:63,781,048, A>G. VCF-style: chr12-63781048-A-G. GRCh37 (hg19) VCF-style: chr12-64174828-A-G.
Other names: c.-582A>G (NM_001278237.2); short protein forms N67D.
Identifiers: ClinVar variation 1495003 (VCV001495003.6), dbSNP rs1226821141, ClinGen allele CA385584144.
Genomic context (GRCh38, chr12:63,781,048, plus strand): 5'-TACTGGTAAACACTTACTCTTTTTAAAACAGAACAGTCCACTTTGGAAAGTGAAGAATGG[A>G]ATCCTTGGGAAGGAGATGAAAAAAATGAGCAACAACACAGATTTAAAACTAGCCTTCAAA-3'
Protein context (NP_055069.1, residues 57-77): EQSTLESEEW[Asn67Asp]PWEGDEKNEQ

ClinVar aggregate classification (germline): Uncertain significance (1 of 4 stars; one submission).

Allele frequency attached by ClinVar (database versions not stated): gnomAD exomes below 0.00001.
gnomAD v4.1: 1 of 1,606,006 alleles (0.000062%); highest among the groups gnomAD compares: Admixed American, 0.0017%; no homozygotes.

Submission:

Labcorp Genetics (formerly Invitae), Labcorp
Classification: Uncertain significance. Last evaluated: 2025-05-05. Review status: criteria provided, single submitter. Criteria: Invitae Variant Classification Sherloc (09022015). Collection method: clinical testing. Allele origin: germline.
Comment: This sequence change replaces asparagine, which is neutral and polar, with aspartic acid, which is acidic and polar, at codon 67 of the RXYLT1 protein (p.Asn67Asp). This variant is present in population databases (no rsID available, gnomAD 0.003%). This variant has not been reported in the literature in individuals affected with RXYLT1-related conditions. ClinVar contains an entry for this variant (Variation ID: 1495003). Invitae Evidence Modeling of protein sequence and biophysical properties (such as structural, functional, and spatial information, amino acid conservation, physicochemical variation, residue mobility, and thermodynamic stability) indicates that this missense variant is not expected to disrupt RXYLT1 protein function with a negative predictive value of 80%. In summary, the available evidence is currently insufficient to determine the role of this variant in disease. Therefore, it has been classified as a Variant of Uncertain Significance.